The following is an entry in ClinVar:

ClinVar aggregate classification (germline): Benign/Likely benign. Review status: criteria provided, multiple submitters, no conflicts (2 of 4 stars). 6 submissions from 6 submitters: Benign (1); Likely benign (5). Last evaluated 2026-02-03.

Conditions:
SETBP1-related disorder. Also called: SETBP1-related condition; SETBP1-related disorders.
Intellectual developmental disorder, autosomal dominant 29. Also called: SETBP1 Haploinsufficiency Disorder; Intellectual disability, autosomal dominant 29. Identifiers: Orphanet 436151, MedGen C4015141, MONDO:0014482, OMIM 616078.
Schinzel-Giedion syndrome (SGS). Identifiers: Orphanet 798, MedGen C0265227, MONDO:0010010, OMIM 269150.

Allele frequency attached by ClinVar (database versions not stated): ExAC 0.00024; gnomAD exomes 0.00032; TOPMed 0.00029; ESP Exome Variant Server 0.00054; gnomAD 0.00027 and 0.00029.
gnomAD v4.1: 654 of 1,614,030 alleles (0.041%); highest among the groups gnomAD compares: Non-Finnish European, 0.049%; 2 homozygotes.

Submissions (6):

Labcorp Genetics (formerly Invitae), Labcorp
Classification: Likely benign. Last evaluated: 2026-02-03. Review status: criteria provided, single submitter. Criteria: Invitae Variant Classification Sherloc (09022015). Collection method: clinical testing. Allele origin: germline.

PreventionGenetics, part of Exact Sciences
Classification: Likely benign for SETBP1-related condition. Last evaluated: 2025-05-22. Review status: criteria provided, single submitter. Criteria: ACMG Guidelines, 2015. Collection method: clinical testing. Allele origin: germline.
Comment: This variant is classified as likely benign based on ACMG/AMP sequence variant interpretation guidelines (Richards et al. 2015 PMID: 25741868, with internal and published modifications).

Blueprint Genetics
Classification: Likely benign. Last evaluated: 2024-09-02. Review status: criteria provided, single submitter. Criteria: ACMG Guidelines, 2015. Collection method: clinical testing. Allele origin: germline.

CeGaT Center for Human Genetics Tuebingen
Classification: Likely benign. Last evaluated: 2024-06-01. Review status: criteria provided, single submitter. Criteria: CeGaT Center For Human Genetics Tuebingen Variant Classification Criteria Version 2. Collection method: clinical testing. Allele origin: germline. Affected: yes. Observed: 3 variant alleles.
Comment: SETBP1: BP4, BP7

Fulgent Genetics
Classification: Likely benign for Schinzel-Giedion syndrome; Intellectual developmental disorder, autosomal dominant 29. Last evaluated: 2021-08-23. Review status: criteria provided, single submitter. Criteria: ACMG Guidelines, 2015. Collection method: clinical testing. Allele origin: unknown.

GeneDx
Classification: Benign. Last evaluated: 2019-06-11. Review status: criteria provided, single submitter. Criteria: GeneDx Variant Classification Process June 2021. Collection method: clinical testing. Allele origin: germline. Affected: yes.

NM_015559.3(SETBP1):c.2934C>T (p.His978=)

Gene: SETBP1 (SET binding protein 1; plus strand). Cytogenetic location: 18q12.3.
Variant type: single nucleotide variant.
Coding change: c.2934C>T on transcript NM_015559.3 (MANE Select); coding-DNA position 2934, C replaced by T.
Protein change: p.His978=; no amino-acid change (histidine 978 retained).
Molecular consequence: synonymous variant.
Genome position (GRCh38, 1-based): chr18:44,952,274, C>T. VCF-style: chr18-44952274-C-T. GRCh37 (hg19) VCF-style: chr18-42532239-C-T.
Other names: c.2934C>T, p.His978= (LRG_1150t1).
Identifiers: ClinVar variation 546818 (VCV000546818.56), dbSNP rs145566816, ClinGen allele CA8945825.